The following is an entry in ClinVar:

ClinVar aggregate classification (germline): Likely pathogenic (1 of 4 stars; one submission).

Conditions:
Cholestasis, progressive familial intrahepatic, 4. Identifiers: Orphanet 480483, Orphanet 79304, MedGen C2931067, MONDO:0014381, OMIM 615878.
Hypercholanemia, familial 1 (FHCA1). Identifiers: Orphanet 238475, MedGen C5542604, MONDO:0031446, OMIM 607748.

Submission:

Juno Genomics, Hangzhou Juno Genomics, Inc
Classification: Likely pathogenic for Cholestasis, progressive familial intrahepatic, 4; Hypercholanemia, familial 1. Review status: criteria provided, single submitter. Criteria: ACMG Guidelines, 2015. Collection method: clinical testing. Allele origin: germline.
Comment: Absent from controls (or at extremely low frequency if recessive) in Genome Aggregation Database.;Null variant in a gene where loss of function (LOF) is a known mechanism of disease.

NM_004817.4(TJP2):c.245dup (p.Asn82fs)

Gene: TJP2 (tight junction protein 2; plus strand). Cytogenetic location: 9q21.11.
Variant type: Duplication.
Coding change: c.245dup on transcript NM_004817.4 (MANE Select); coding-DNA position 245, one base duplicated (A; older notation c.245dupA).
Protein change: p.Asn82fs; shifts the reading frame from asparagine 82.
Molecular consequence: frameshift variant.
Genome position (GRCh38, 1-based): chr9:69,218,262, A duplicated; the last of 4 consecutive A bases (chr9:69,218,259-69,218,262); duplicating any one gives the same sequence. VCF-style (leftmost placement, unchanged base first): chr9-69218258-G-GA. GRCh37 (hg19) VCF-style: chr9-71833174-G-GA.
Other names: c.176dup, p.Asn59fs (NM_001170414.2, NM_001369870.1, NM_001369871.1); c.257dup, p.Asn86fs (NM_001170415.1, NM_001369874.1, NM_001369875.1); c.338dup, p.Asn113fs (NM_001170416.2); c.245dup, p.Asn82fs (NM_001369872.1, NM_001369873.1, NM_201629.3); short protein forms N113fs, N59fs, N82fs, N86fs.
Identifiers: ClinVar variation 5018751 (VCV005018751.2).